The following is an entry in ClinVar:

NM_000393.5(COL5A2):c.1774G>A (p.Ala592Thr)

Gene: COL5A2 (collagen type V alpha 2 chain; minus strand). Cytogenetic location: 2q32.2.
Variant type: single nucleotide variant.
Coding change: c.1774G>A on transcript NM_000393.5 (MANE Select); coding-DNA position 1774, G replaced by A.
Protein change: p.Ala592Thr; replaces alanine 592 with threonine.
Molecular consequence: missense variant.
Genome position (GRCh38, 1-based): chr2:189,063,267, C>T on the plus strand (G>A on the coding strand, the complement: COL5A2 is on the minus strand). VCF-style: chr2-189063267-C-T. GRCh37 (hg19) VCF-style: chr2-189927993-C-T.
Other names: c.1774G>A (NM_000393.3); short protein forms A592T.
Identifiers: ClinVar variation 3728757 (VCV003728757.5).

ClinVar aggregate classification (germline): Uncertain significance. Review status: criteria provided, multiple submitters, no conflicts (2 of 4 stars). 3 submissions from 3 submitters: Uncertain significance (3). Last evaluated 2026-01-04.

Conditions:
Familial thoracic aortic aneurysm and aortic dissection (TAAD). Also called: Thoracic aortic aneurysms and dissections. Identifiers: Orphanet 91387, MedGen C4707243, MONDO:0019625.
Ehlers-Danlos syndrome, classic type, 2 (EDSCL2). Also called: Ehlers-Danlos syndrome type 2 (formerly); Ehlers-Danlos syndrome, type 2; Ehlers-Danlos Syndrome, Classic Type, COL5A2-Related. Identifiers: Orphanet 287, Orphanet 90318, MedGen C0268336, MONDO:0019568, OMIM 130010.
Ehlers-Danlos syndrome, classic type, 1 (EDSCL1). Also called: Ehlers-Danlos syndrome, type 1; EHLERS-DANLOS SYNDROME, GRAVIS TYPE; EHLERS-DANLOS SYNDROME, SEVERE CLASSIC TYPE; Ehlers-Danlos Syndrome, Classic Type, COL5A1-Related; EDS I. Identifiers: MedGen C0268335, MONDO:0019567, OMIM 130000.

gnomAD v4.1: 4 of 1,613,316 alleles (0.00025%); highest among the groups gnomAD compares: African/African-American, 0.004%; no homozygotes.

Submissions (3):

Dasa
Classification: Uncertain significance for Ehlers-Danlos syndrome, classic type, 2. Last evaluated: 2026-01-04. Review status: criteria provided, single submitter. Criteria: DASA Assertion Criteria. Collection method: clinical testing. Allele origin: germline.
Comment: NM_000393.5(COL5A2):c.1774G>A (p.Ala592Thr) is a missense variant that results in the substitution of alanine with threonine. This variant is rare in population databases. The currently available literature and clinical evidence are not sufficient to establish a definitive association between this variant and the reported condition. Therefore, this variant is classified as a variant of uncertain significance.

Ambry Genetics
Classification: Uncertain significance for Familial thoracic aortic aneurysm and aortic dissection. Last evaluated: 2025-12-15. Review status: criteria provided, single submitter. Criteria: Ambry Variant Classification Scheme 2023. Collection method: clinical testing. Allele origin: germline.

Labcorp Genetics (formerly Invitae), Labcorp
Classification: Uncertain significance for Ehlers-Danlos syndrome, classic type, 1. Last evaluated: 2024-04-07. Review status: criteria provided, single submitter. Criteria: Invitae Variant Classification Sherloc (09022015). Collection method: clinical testing. Allele origin: germline.
Comment: This sequence change replaces alanine, which is neutral and non-polar, with threonine, which is neutral and polar, at codon 592 of the COL5A2 protein (p.Ala592Thr). This variant is not present in population databases (gnomAD no frequency). This variant has not been reported in the literature in individuals affected with COL5A2-related conditions. Advanced modeling of protein sequence and biophysical properties (such as structural, functional, and spatial information, amino acid conservation, physicochemical variation, residue mobility, and thermodynamic stability) performed at Invitae indicates that this missense variant is not expected to disrupt COL5A2 protein function with a negative predictive value of 80%. In summary, the available evidence is currently insufficient to determine the role of this variant in disease. Therefore, it has been classified as a Variant of Uncertain Significance.